The following is an entry in ClinVar:

ClinVar aggregate classification (germline): Uncertain significance. Review status: criteria provided, multiple submitters, no conflicts (2 of 4 stars). 4 submissions from 4 submitters: Uncertain significance (4). Last evaluated 2025-08-11.

Conditions:
Developmental and epileptic encephalopathy, 13 (DEE13). Also called: Early infantile epileptic encephalopathy 13; SCN8A-Related Epilepsy; Developmental and Epileptic Encephalopathy (SCN8A-DEE). Identifiers: Orphanet 442835, MedGen C3281191, MONDO:0013801, OMIM 614558.
Early-infantile DEE. Also called: Ohtahara syndrome; Early infantile epileptic encephalopathy; Early infantile epileptic encephalopathy with suppression bursts. Identifiers: Orphanet 1934, MedGen C0393706, MONDO:0800491.

Allele frequency attached by ClinVar (database versions not stated): TOPMed 0.00003; gnomAD exomes below 0.00001.
gnomAD v4.1: 3 of 1,614,162 alleles (0.00019%); highest among the groups gnomAD compares: African/African-American, 0.0013%; no homozygotes.

Submissions (4):

Labcorp Genetics (formerly Invitae), Labcorp
Classification: Uncertain significance for Early-infantile DEE. Last evaluated: 2025-08-11. Review status: criteria provided, single submitter. Criteria: Invitae Variant Classification Sherloc (09022015). Collection method: clinical testing. Allele origin: germline.
Comment: This sequence change replaces aspartic acid, which is acidic and polar, with asparagine, which is neutral and polar, at codon 1683 of the SCN8A protein (p.Asp1683Asn). This variant is not present in population databases (gnomAD no frequency). This variant has not been reported in the literature in individuals affected with SCN8A-related conditions. ClinVar contains an entry for this variant (Variation ID: 931859). Invitae Evidence Modeling of protein sequence and biophysical properties (such as structural, functional, and spatial information, amino acid conservation, physicochemical variation, residue mobility, and thermodynamic stability) indicates that this missense variant is not expected to disrupt SCN8A protein function with a negative predictive value of 95%. In summary, the available evidence is currently insufficient to determine the role of this variant in disease. Therefore, it has been classified as a Variant of Uncertain Significance.

GeneDx
Classification: Uncertain significance. Last evaluated: 2025-02-15. Review status: criteria provided, single submitter. Criteria: GeneDx Variant Classification Process June 2021. Collection method: clinical testing. Allele origin: germline. Affected: yes.
Comment: Has not been previously published as pathogenic or benign to our knowledge; In silico analysis supports that this missense variant has a deleterious effect on protein structure/function; Extracellular loop between the S5 and S6 transmembrane segments of the fourth homologous domain.

Institute of Human Genetics, University of Leipzig Medical Center
Classification: Uncertain significance for Developmental and epileptic encephalopathy, 13. Last evaluated: 2019-08-21. Review status: criteria provided, single submitter. Criteria: ACMG Guidelines, 2015. Collection method: clinical testing. Allele origin: germline. Affected: yes. Observed: 1 variant allele.

Centre for Mendelian Genomics, University Medical Centre Ljubljana
Classification: Uncertain significance for Developmental and epileptic encephalopathy, 13. Last evaluated: 2018-12-07. Review status: criteria provided, single submitter. Criteria: ACMG Guidelines, 2015. Collection method: clinical testing. Allele origin: unknown. Affected: yes.
Comment: This variant was classified as: Uncertain significance. The available evidence on this variant's pathogenicity is insufficient or conflicting. The following ACMG criteria were applied in classifying this variant: PM2.

NM_001330260.2(SCN8A):c.5047G>A (p.Asp1683Asn)

Gene: SCN8A (sodium voltage-gated channel alpha subunit 8; plus strand). Cytogenetic location: 12q13.13.
Variant type: single nucleotide variant.
Coding change: c.5047G>A on transcript NM_001330260.2 (MANE Select); coding-DNA position 5047, G replaced by A.
Protein change: p.Asp1683Asn; replaces aspartic acid 1683 with asparagine.
Molecular consequence: missense variant.
Genome position (GRCh38, 1-based): chr12:51,806,533, G>A. VCF-style: chr12-51806533-G-A. GRCh37 (hg19) VCF-style: chr12-52200317-G-A.
Other names: c.4924G>A, p.Asp1642Asn (NM_001177984.3, NM_001369788.1); c.5047G>A, p.Asp1683Asn (NM_014191.4); short protein forms D1642N, D1683N.
Identifiers: ClinVar variation 931859 (VCV000931859.17), dbSNP rs1023188648, ClinGen allele CA236327446.